The following is an entry in ClinVar:

NM_177438.3(DICER1):c.1752+1G>T

Gene: DICER1 (dicer 1, ribonuclease III; minus strand). Cytogenetic location: 14q32.13.
Variant type: single nucleotide variant.
Coding change: c.1752+1G>T on transcript NM_177438.3 (MANE Select); the canonical splice donor site of the intron after coding-DNA position 1752, G replaced by T.
Molecular consequence: splice donor variant.
Genome position (GRCh38, 1-based): chr14:95,116,452, C>A on the plus strand (G>T on the coding strand, the complement: DICER1 is on the minus strand). VCF-style: chr14-95116452-C-A. GRCh37 (hg19) VCF-style: chr14-95582789-C-A.
Other names: c.1752+1G>T (NM_001291628.2, NM_030621.4, NM_001395677.1 and 12 more transcripts); c.1347+1G>T (NM_001395690.1, NM_001395687.1, NM_001395689.1 and 3 more transcripts); c.1470+1G>T (NM_001395686.1); c.1185+1G>T (NM_001395691.1); c.69+1G>T (NM_001395697.1).
Identifiers: ClinVar variation 4637069 (VCV004637069.1).

ClinVar aggregate classification (germline): Uncertain significance (1 of 4 stars; one submission).

Conditions:
Hereditary cancer-predisposing syndrome. Also called: Neoplastic Syndromes, Hereditary; Tumor predisposition; Hereditary Cancer Syndrome; Hereditary neoplastic syndrome. Identifiers: Orphanet 140162, MedGen C0027672, MeSH D009386, MONDO:0015356.

Submission:

Ambry Genetics
Classification: Uncertain significance for Hereditary cancer-predisposing syndrome. Last evaluated: 2025-10-22. Review status: criteria provided, single submitter. Criteria: Ambry Variant Classification Scheme 2023. Collection method: clinical testing. Allele origin: germline.
Comment: The c.1752+1G>T intronic variant results from a G to T substitution one nucleotide after coding exon 9 of the DICER1 gene. Alterations that disrupt the canonical splice site are expected to cause aberrant splicing. In silico splice site analysis predicts that this alteration will weaken the native splice donor site and will result in the creation or strengthening of a novel splice donor site. A resulting transcript is predicted to be in-frame and is not expected to trigger nonsense-mediated mRNA decay. RNA studies have demonstrated that this alteration results in a transcript predicted to lead to a protein with an in-frame deletion of 81 amino acids; however, the exact functional impact of the deleted amino acids is unknown at this time (Ambry internal data). This nucleotide position is highly conserved in available vertebrate species. Based on the available evidence, the clinical significance of this variant remains unclear.